The following is an entry in ClinVar:

NM_153026.3(PRICKLE1):c.2304C>G (p.Ser768=)

Gene: PRICKLE1 (prickle planar cell polarity protein 1; minus strand). Cytogenetic location: 12q12.
Variant type: single nucleotide variant.
Coding change: c.2304C>G on transcript NM_153026.3 (MANE Select); coding-DNA position 2304, C replaced by G.
Protein change: p.Ser768=; no amino-acid change (serine 768 retained).
Molecular consequence: synonymous variant.
Genome position (GRCh38, 1-based): chr12:42,460,001, G>C on the plus strand (C>G on the coding strand, the complement: PRICKLE1 is on the minus strand). VCF-style: chr12-42460001-G-C. GRCh37 (hg19) VCF-style: chr12-42853803-G-C.
Other names: p.S768S:TCC>TCG; c.2304C>G, p.Ser768= (NM_001144881.2, NM_001144882.2, NM_001144883.2).
Identifiers: ClinVar variation 96507 (VCV000096507.61), dbSNP rs35854729, ClinGen allele CA285797.
Genomic context (GRCh38, chr12:42,460,001, plus strand): 5'-TGGCCGGGGTTGAGGGATTGGTTGTCCAAGAAAATATCCTTCTTCTTCCGAGTCGGAAGA[G>C]GAGGAGGAGGAAGAACACCAGGAATCATCATCCTCGCCGTAGAGTCCCAGAAACCGATTC-3'
Protein context (NP_694571.2, residues 758-778): DDDSWCSSSS[Ser768=]SSDSEEEGYF

ClinVar aggregate classification (germline): Benign/Likely benign. Review status: criteria provided, multiple submitters, no conflicts (2 of 4 stars). 7 submissions from 7 submitters: Benign (4); Likely benign (2). 1 of the submissions does not count toward it. Last evaluated 2026-02-02.

Conditions:
PRICKLE1-related disorder. Also called: PRICKLE1-related condition; PRICKLE1-Related Disorders. Identifiers: MedGen CN381536.
Epilepsy, progressive myoclonic, 1B. Also called: PME. Identifiers: Orphanet 308, MedGen C2676254, MONDO:0012904, OMIM 612437.

Allele frequency attached by ClinVar (database versions not stated): gnomAD 0.00552 and 0.00598; TOPMed 0.00567; 1000 Genomes Project 0.00599; gnomAD exomes 0.00051 and 0.00145; ExAC 0.00184; 1000 Genomes Project 30x 0.00547; ESP Exome Variant Server 0.00646.
gnomAD v4.1: 1,623 of 1,613,436 alleles (0.1%); highest among the groups gnomAD compares: African/African-American, 1.9%; 17 homozygotes.

Submissions (7):

Labcorp Genetics (formerly Invitae), Labcorp
Classification: Benign for Epilepsy, progressive myoclonic, 1B. Last evaluated: 2026-02-02. Review status: criteria provided, single submitter. Criteria: Invitae Variant Classification Sherloc (09022015). Collection method: clinical testing. Allele origin: germline.

Athena Diagnostics
Classification: Benign. Last evaluated: 2024-10-07. Review status: criteria provided, single submitter. Criteria: Athena Diagnostics Criteria. Collection method: clinical testing. Allele origin: unknown.

Ambry Genetics
Classification: Likely benign. Last evaluated: 2016-03-13. Review status: criteria provided, single submitter. Criteria: Ambry Variant Classification Scheme 2023. Collection method: clinical testing. Allele origin: germline.

Eurofins Ntd Llc (ga)
Classification: Benign. Last evaluated: 2013-07-05. Review status: criteria provided, single submitter. Criteria: EGL Classification Definitions 2015. Collection method: clinical testing. Allele origin: germline. Observed: 1 variant allele, 1 heterozygote.

GeneDx
Classification: Benign. Last evaluated: 2013-01-16. Review status: criteria provided, single submitter. Criteria: GeneDx Variant Classification (06012015). Collection method: clinical testing. Allele origin: germline. Affected: yes.
Comment: This variant is considered likely benign or benign based on one or more of the following criteria: it is a conservative change, it occurs at a poorly conserved position in the protein, it is predicted to be benign by multiple in silico algorithms, and/or has population frequency not consistent with disease.

Breakthrough Genomics
Classification: Likely benign. Review status: criteria provided, single submitter. Criteria: ACMG Guidelines, 2015. Collection method: not provided. Allele origin: germline. Inheritance: Autosomal recessive inheritance. Affected: yes.

PreventionGenetics, part of Exact Sciences
Classification: Benign for PRICKLE1-related condition. Last evaluated: 2019-07-18. Review status: no assertion criteria provided. Collection method: clinical testing. Allele origin: germline. Not counted in ClinVar's aggregate classification.
Comment: This variant is classified as benign based on ACMG/AMP sequence variant interpretation guidelines (Richards et al. 2015 PMID: 25741868, with internal and published modifications).